The following is an entry in ClinVar:

NM_002204.4(ITGA3):c.1646G>A (p.Arg549His)

Gene: ITGA3 (integrin subunit alpha 3; plus strand). Cytogenetic location: 17q21.33.
Variant type: single nucleotide variant.
Coding change: c.1646G>A on transcript NM_002204.4 (MANE Select); coding-DNA position 1646, G replaced by A.
Protein change: p.Arg549His; replaces arginine 549 with histidine.
Molecular consequence: missense variant.
Genome position (GRCh38, 1-based): chr17:50,075,707, G>A. VCF-style: chr17-50075707-G-A. GRCh37 (hg19) VCF-style: chr17-48153071-G-A.
Other names: short protein forms R549H.
Identifiers: ClinVar variation 2416077 (VCV002416077.6), dbSNP rs557263701, ClinGen allele CA8641628.
Genomic context (GRCh38, chr17:50,075,707, plus strand): 5'-TCCGCTTTGCCGGCAGTGAGTCCGCTGTCTTCCACGGCTTCTTCTCCATGCCCGAGATGC[G>A]CTGCCAGAAGCTGGAGCTGCTCCTGATGGTGAGGGAGGAGCAAGGGTCAGGATGAGGGCT-3'
Protein context (NP_002195.1, residues 539-559): FHGFFSMPEM[Arg549His]CQKLELLLMD

ClinVar aggregate classification (germline): Uncertain significance (1 of 4 stars; one submission).

gnomAD v4.1: 19 of 1,613,970 alleles (0.0012%); highest among the groups gnomAD compares: East Asian, 0.011%; no homozygotes.

Submission:

Labcorp Genetics (formerly Invitae), Labcorp
Classification: Uncertain significance. Last evaluated: 2023-08-04. Review status: criteria provided, single submitter. Criteria: Invitae Variant Classification Sherloc (09022015). Collection method: clinical testing. Allele origin: germline.
Comment: In summary, the available evidence is currently insufficient to determine the role of this variant in disease. Therefore, it has been classified as a Variant of Uncertain Significance. This sequence change replaces arginine, which is basic and polar, with histidine, which is basic and polar, at codon 549 of the ITGA3 protein (p.Arg549His). This variant is present in population databases (rs557263701, gnomAD 0.003%). This variant has not been reported in the literature in individuals affected with ITGA3-related conditions. ClinVar contains an entry for this variant (Variation ID: 2416077). Advanced modeling of protein sequence and biophysical properties (such as structural, functional, and spatial information, amino acid conservation, physicochemical variation, residue mobility, and thermodynamic stability) performed at Invitae indicates that this missense variant is not expected to disrupt ITGA3 protein function.